The following is an entry in ClinVar:

ClinVar aggregate classification (germline): Uncertain significance. Review status: criteria provided, single submitter (1 of 4 stars). 2 submissions from 2 submitters: Uncertain significance (1). 1 of the submissions does not count toward it. Last evaluated 2020-07-09.

Conditions:
Congenital stationary night blindness. Also called: Early-onset non-progressive night blindness. Identifiers: Orphanet 215, MedGen C0339535, MONDO:0016293, HP:0007642.

Allele frequency attached by ClinVar (database versions not stated): gnomAD exomes 0.00002; TOPMed 0.00002; ExAC 0.00003.
gnomAD v4.1: 10 of 1,614,140 alleles (0.00062%); highest among the groups gnomAD compares: Non-Finnish European, 0.00085%; no homozygotes.

Submissions (2):

Labcorp Genetics (formerly Invitae), Labcorp
Classification: Uncertain significance. Last evaluated: 2020-07-09. Review status: criteria provided, single submitter. Criteria: Invitae Variant Classification Sherloc (09022015). Collection method: clinical testing. Allele origin: germline.
Comment: This sequence change replaces alanine with valine at codon 3603 of the USH2A protein (p.Ala3603Val). The alanine residue is moderately conserved and there is a small physicochemical difference between alanine and valine. This variant is present in population databases (rs753430531, ExAC 0.006%). This variant has not been reported in the literature in individuals with USH2A-related disease. Algorithms developed to predict the effect of missense changes on protein structure and function output the following: SIFT: "Tolerated"; PolyPhen-2: "Benign"; Align-GVGD: "Class C0". The valine amino acid residue is found in multiple mammalian species, suggesting that this missense change does not adversely affect protein function. These predictions have not been confirmed by published functional studies and their clinical significance is uncertain. In summary, the available evidence is currently insufficient to determine the role of this variant in disease. Therefore, it has been classified as a Variant of Uncertain Significance.

Department of Clinical Genetics, Copenhagen University Hospital, Rigshospitalet
Classification: Uncertain significance for Congenital stationary night blindness. Last evaluated: 2018-04-01. Review status: no assertion criteria provided. Collection method: research. Allele origin: unknown. Affected: yes. Study: VeluxRD. Not counted in ClinVar's aggregate classification.

Literature cited by the submitters: PubMed 30718709 (cited by Department of Clinical Genetics, Copenhagen University Hospital, Rigshospitalet).

NM_206933.4(USH2A):c.10808C>T (p.Ala3603Val)

Gene: USH2A (usherin; minus strand). Cytogenetic location: 1q41.
Variant type: single nucleotide variant.
Coding change: c.10808C>T on transcript NM_206933.4 (MANE Select); coding-DNA position 10808, C replaced by T.
Protein change: p.Ala3603Val; replaces alanine 3603 with valine.
Molecular consequence: missense variant.
Genome position (GRCh38, 1-based): chr1:215,779,974, G>A on the plus strand (C>T on the coding strand, the complement: USH2A is on the minus strand). VCF-style: chr1-215779974-G-A. GRCh37 (hg19) VCF-style: chr1-215953316-G-A.
Other names: short protein forms A3603V.
Identifiers: ClinVar variation 636227 (VCV000636227.3), dbSNP rs753430531, ClinGen allele CA1393917.